The following is an entry in ClinVar:

NM_199420.4(POLQ):c.2528G>C (p.Arg843Pro)

Gene: POLQ (DNA polymerase theta; minus strand). Cytogenetic location: 3q13.33.
Variant type: single nucleotide variant.
Coding change: c.2528G>C on transcript NM_199420.4 (MANE Select); coding-DNA position 2528, G replaced by C.
Protein change: p.Arg843Pro; replaces arginine 843 with proline.
Molecular consequence: missense variant.
Genome position (GRCh38, 1-based): chr3:121,490,403, C>G on the plus strand (G>C on the coding strand, the complement: POLQ is on the minus strand). VCF-style: chr3-121490403-C-G. GRCh37 (hg19) VCF-style: chr3-121209250-C-G.
Other names: short protein forms R843P.
Identifiers: ClinVar variation 1792619 (VCV001792619.2), dbSNP rs765591013, ClinGen allele CA2563222.
Genomic context (GRCh38, chr3:121,490,403, plus strand): 5'-CAGATAGTTCGCATATTGCGACGTTCTTCAACTGCTTCCTCTTCCTCATCCACTGCCTTC[C>G]GGGCACTACACAAGGAGATGGGAAAAGACAGAAATGAATTCATTCATTCGTAAGGCAAGT-3'
Protein context (NP_955452.3, residues 833-853): LKNAVPFKSA[Arg843Pro]KAVDEEEEAV

ClinVar aggregate classification (germline): Uncertain significance (1 of 4 stars; one submission).

gnomAD v4.1: 15 of 1,613,144 alleles (0.00093%); highest among the groups gnomAD compares: African/African-American, 0.004%; no homozygotes.

Submission:

Ambry Genetics
Classification: Uncertain significance. Last evaluated: 2024-01-12. Review status: criteria provided, single submitter. Criteria: Ambry Variant Classification Scheme 2023. Collection method: clinical testing. Allele origin: germline.
Comment: The p.R843P variant (also known as c.2528G>C), located in coding exon 16 of the POLQ gene, results from a G to C substitution at nucleotide position 2528. The arginine at codon 843 is replaced by proline, an amino acid with dissimilar properties. This amino acid position is conserved. In addition, the in silico prediction for this alteration is inconclusive. Since supporting evidence is limited at this time, the clinical significance of this alteration remains unclear.